The following is an entry in ClinVar:

ClinVar aggregate classification (germline): Pathogenic (1 of 4 stars; one submission).

Submission:

Quest Diagnostics Nichols Institute San Juan Capistrano
Classification: Pathogenic. Last evaluated: 2023-02-13. Review status: criteria provided, single submitter. Criteria: ACMG/ClinGen CNV Guidelines, 2019. Collection method: clinical testing. Allele origin: unknown.
Comment: This copy number loss is contained within the 1p36 deletion syndrome region (OMIM 607872, Shapira 1997, Gupta 2022). Several genes in this interval have been reported in association with congenital heart defects or neurodevelopmental disorders (Jordan 2015, Lodato 2021, Shimada 2014). There are no similar copy number losses spanning this region in the general populations of the Database of Genomic Variants. Thus, based on current medical literature and gene content, this copy number variant (CNV) is classified as pathogenic. References: Gupta et al., Am J Med Genet A. 2022 Apr;188(4):1317-1322. PMID: 34989134 Jordan et al., Appl Clin Genet. 2015 Aug 27;8:189-200. PMID: 26345236 Lodato et al., J Cardiovasc Dev Dis. 2021 Nov 19;8(11):159. PMID: 34821712 Shapira et al., Am. J. Hum. Genet. 61: 642-650, 1997. PMID: 932633te Shimada, et al., Brain Dev. 2014 Aug 26. pii: S0387-7604(14)00189-2. PMID: 25172301

GRCh37/hg19 1p36.33-36.22(chr1:849467-9627901)x1

Genes: PEX10 (peroxisomal biogenesis factor 10; minus strand), PHF13 (PHD finger protein 13; plus strand), PLCH2 (phospholipase C eta 2; plus strand), RER1 (retention in endoplasmic reticulum sorting receptor 1; plus strand), RERE (arginine-glutamic acid dipeptide repeats; minus strand) and 113 more. Cytogenetic location: 1p36.33-36.22.
Variant type: copy number loss.
Change: copy number 1 (one copy instead of two) of chr1:849,467-9,627,901 (8.78 Mb, GRCh37 coordinates, 1-based), cytogenetic band 1p36.33-36.22.
Identifiers: ClinVar variation 2685244 (VCV002685244.1).